The following is an entry in ClinVar:

NM_000179.3(MSH6):c.3766del (p.Tyr1256fs)

Gene: MSH6 (mutS homolog 6; plus strand). Cytogenetic location: 2p16.3.
Variant type: Deletion.
Coding change: c.3766del on transcript NM_000179.3 (MANE Select); coding-DNA position 3766, one base deleted (T; older notation c.3766delT).
Protein change: p.Tyr1256fs; shifts the reading frame from tyrosine 1256.
Molecular consequence: frameshift variant.
Genome position (GRCh38, 1-based): chr2:47,806,323, T deleted; the last of 2 consecutive T bases (chr2:47,806,322-47,806,323); deleting either gives the same sequence. VCF-style (leftmost placement, unchanged base first): chr2-47806321-AT-A. GRCh37 (hg19) VCF-style: chr2-48033460-AT-A.
Other names: c.3376del, p.Tyr1126fs (NM_001281492.2); c.2860del, p.Tyr954fs (NM_001281493.2, NM_001281494.2); short protein forms Y1126fs, Y954fs, Y1256fs.
Identifiers: ClinVar variation 944944 (VCV000944944.10), dbSNP rs1553333127, ClinGen allele CA1139656977.

ClinVar aggregate classification (germline): Pathogenic. Review status: criteria provided, multiple submitters, no conflicts (2 of 4 stars). 2 submissions from 2 submitters: Pathogenic (2). Last evaluated 2020-08-25.

Conditions:
Hereditary nonpolyposis colorectal neoplasms. Identifiers: MedGen C0009405, MeSH D003123.
Hereditary cancer-predisposing syndrome. Also called: Neoplastic Syndromes, Hereditary; Hereditary Cancer Syndrome; Tumor predisposition; Hereditary neoplastic syndrome. Identifiers: Orphanet 140162, MedGen C0027672, MeSH D009386, MONDO:0015356.

Submissions (2):

Color Diagnostics, LLC DBA Color Health
Classification: Pathogenic for Hereditary cancer-predisposing syndrome. Last evaluated: 2020-08-25. Review status: criteria provided, single submitter. Criteria: ACMG Guidelines, 2015. Collection method: clinical testing. Allele origin: germline.
Comment: This variant deletes 1 nucleotide in exon 8 of the MSH6 gene, creating a frameshift and premature translation stop signal. This variant is expected to result in an absent or non-functional protein product. To our knowledge, this variant has not been reported in individuals affected with hereditary cancer in the literature. This variant has not been identified in the general population by the Genome Aggregation Database (gnomAD). Loss of MSH6 function is a known mechanism of disease. Based on the available evidence, this variant is classified as Pathogenic.

Labcorp Genetics (formerly Invitae), Labcorp
Classification: Pathogenic for Hereditary nonpolyposis colorectal neoplasms. Last evaluated: 2019-06-06. Review status: criteria provided, single submitter. Criteria: Invitae Variant Classification Sherloc (09022015). Collection method: clinical testing. Allele origin: germline.
Comment: This sequence change creates a premature translational stop signal (p.Tyr1256Ilefs*9) in the MSH6 gene. It is expected to result in an absent or disrupted protein product. This variant is not present in population databases (ExAC no frequency). This variant has not been reported in the literature in individuals with MSH6-related conditions. Loss-of-function variants in MSH6 are known to be pathogenic (PMID: 18269114, 24362816). For these reasons, this variant has been classified as Pathogenic.

Literature cited by the submitters: PubMed 18269114 (cited by Labcorp Genetics (formerly Invitae), Labcorp); PubMed 24362816 (cited by Labcorp Genetics (formerly Invitae), Labcorp).